The following is an entry in ClinVar:

NM_198569.3(ADGRG6):c.1748A>G (p.Glu583Gly)

Gene: ADGRG6 (adhesion G protein-coupled receptor G6; plus strand). Cytogenetic location: 6q24.2.
Variant type: single nucleotide variant.
Coding change: c.1748A>G on transcript NM_198569.3 (MANE Select); coding-DNA position 1748, A replaced by G.
Protein change: p.Glu583Gly; replaces glutamic acid 583 with glycine.
Molecular consequence: missense variant.
Genome position (GRCh38, 1-based): chr6:142,402,623, A>G. VCF-style: chr6-142402623-A-G. GRCh37 (hg19) VCF-style: chr6-142723760-A-G.
Other names: c.1664A>G, p.Glu555Gly (NM_001032394.3, NM_001032395.3); c.1748A>G, p.Glu583Gly (NM_020455.6); short protein forms E555G, E583G.
Identifiers: ClinVar variation 3360909 (VCV003360909.1).

ClinVar aggregate classification (germline): Uncertain significance (1 of 4 stars; one submission).

gnomAD v4.1: 4 of 1,546,028 alleles (0.00026%); highest among the groups gnomAD compares: African/African-American, 0.0014%; no homozygotes.

Submission:

GeneDx
Classification: Uncertain significance. Last evaluated: 2023-07-13. Review status: criteria provided, single submitter. Criteria: GeneDx Variant Classification Process June 2021. Collection method: clinical testing. Allele origin: germline. Affected: yes.
Comment: Not observed at significant frequency in large population cohorts (gnomAD); In silico analysis supports that this missense variant does not alter protein structure/function; Has not been previously published as pathogenic or benign to our knowledge